The following is an entry in ClinVar:

ClinVar aggregate classification (germline): Uncertain significance (1 of 4 stars; one submission).

Conditions:
Hereditary cancer-predisposing syndrome. Also called: Neoplastic Syndromes, Hereditary; Tumor predisposition; Hereditary neoplastic syndrome; Hereditary Cancer Syndrome. Identifiers: Orphanet 140162, MedGen C0027672, MeSH D009386, MONDO:0015356.

Submission:

Ambry Genetics
Classification: Uncertain significance for Hereditary cancer-predisposing syndrome. Last evaluated: 2019-07-09. Review status: criteria provided, single submitter. Criteria: Ambry Variant Classification Scheme 2023. Collection method: clinical testing. Allele origin: germline.
Comment: The p.N169Y variant (also known as c.505A>T), located in coding exon 4 of the SUFU gene, results from an A to T substitution at nucleotide position 505. The asparagine at codon 169 is replaced by tyrosine, an amino acid with dissimilar properties. This amino acid position is highly conserved in available vertebrate species. In addition, this alteration is predicted to be deleterious by in silico analysis. Since supporting evidence is limited at this time, the clinical significance of this alteration remains unclear.

NM_016169.4(SUFU):c.505A>T (p.Asn169Tyr)

Gene: SUFU (SUFU negative regulator of hedgehog signaling; plus strand). Cytogenetic location: 10q24.32.
Variant type: single nucleotide variant.
Coding change: c.505A>T on transcript NM_016169.4 (MANE Select); coding-DNA position 505, A replaced by T.
Protein change: p.Asn169Tyr; replaces asparagine 169 with tyrosine.
Molecular consequence: missense variant.
Genome position (GRCh38, 1-based): chr10:102,592,632, A>T. VCF-style: chr10-102592632-A-T. GRCh37 (hg19) VCF-style: chr10-104352389-A-T.
Other names: c.505A>T, p.Asn169Tyr (NM_001178133.2); short protein forms N169Y.
Identifiers: ClinVar variation 825410 (VCV000825410.4), dbSNP rs1590061852, ClinGen allele CA377908279.
Genomic context (GRCh38, chr10:102,592,632, plus strand): 5'-TCTCCCACAGAGAACACCTTCTGCAGTGGGGACCATGTGTCCTGGCACAGCCCTTTGGAT[A>T]ACAGTGAGTCAAGAATTCAGCACATGCTGCTGACAGAGGACCCACAGATGCAGCCCGTGC-3'
Protein context (NP_057253.2, residues 159-179): DHVSWHSPLD[Asn169Tyr]SESRIQHMLL